The following is an entry in ClinVar:

NM_000548.5(TSC2):c.4433A>T (p.Asp1478Val)

Gene: TSC2 (TSC complex subunit 2; plus strand). Cytogenetic location: 16p13.3.
Variant type: single nucleotide variant.
Coding change: c.4433A>T on transcript NM_000548.5 (MANE Select); coding-DNA position 4433, A replaced by T.
Protein change: p.Asp1478Val; replaces aspartic acid 1478 with valine.
Molecular consequence: missense variant.
Genome position (GRCh38, 1-based): chr16:2,084,655, A>T. VCF-style: chr16-2084655-A-T. GRCh37 (hg19) VCF-style: chr16-2134656-A-T.
Other names: c.4232A>T, p.Asp1411Val (NM_001077183.3); c.4364A>T, p.Asp1455Val (NM_001114382.3); c.4124A>T, p.Asp1375Val (NM_001318827.2); c.4088A>T, p.Asp1363Val (NM_001318829.2); c.3701A>T, p.Asp1234Val (NM_001318831.2); c.4265A>T, p.Asp1422Val (NM_001318832.2); c.4235A>T, p.Asp1412Val (NM_001363528.2); c.4301A>T, p.Asp1434Val (NM_001370404.1); and 1 more; short protein forms D1411V, D1412V, D1435V, D1375V, D1455V, D1234V, D1363V, D1422V.
Identifiers: ClinVar variation 641928 (VCV000641928.9), dbSNP rs1596418447, ClinGen allele CA394302256.

ClinVar aggregate classification (germline): Uncertain significance. Review status: criteria provided, multiple submitters, no conflicts (2 of 4 stars). 2 submissions from 2 submitters: Uncertain significance (2). Last evaluated 2025-11-18.

Conditions:
Hereditary cancer-predisposing syndrome. Also called: Neoplastic Syndromes, Hereditary; Hereditary Cancer Syndrome; Hereditary neoplastic syndrome; Tumor predisposition. Identifiers: Orphanet 140162, MedGen C0027672, MeSH D009386, MONDO:0015356.
Tuberous sclerosis 2 (TSC2). Identifiers: Orphanet 805, MedGen C1860707, MONDO:0013199, OMIM 613254.

Submissions (2):

Ambry Genetics
Classification: Uncertain significance for Hereditary cancer-predisposing syndrome. Last evaluated: 2025-11-18. Review status: criteria provided, single submitter. Criteria: Ambry Variant Classification Scheme 2023. Collection method: clinical testing. Allele origin: germline.
Comment: The p.D1478V variant (also known as c.4433A>T), located in coding exon 33 of the TSC2 gene, results from an A to T substitution at nucleotide position 4433. The aspartic acid at codon 1478 is replaced by valine, an amino acid with highly dissimilar properties. This amino acid position is conserved. In addition, this alteration is predicted to be deleterious by in silico analysis. Based on the available evidence, the clinical significance of this variant remains unclear.

Labcorp Genetics (formerly Invitae), Labcorp
Classification: Uncertain significance for Tuberous sclerosis 2. Last evaluated: 2024-08-07. Review status: criteria provided, single submitter. Criteria: Invitae Variant Classification Sherloc (09022015). Collection method: clinical testing. Allele origin: germline.
Comment: This sequence change replaces aspartic acid, which is acidic and polar, with valine, which is neutral and non-polar, at codon 1478 of the TSC2 protein (p.Asp1478Val). This variant is not present in population databases (gnomAD no frequency). This variant has not been reported in the literature in individuals affected with TSC2-related conditions. ClinVar contains an entry for this variant (Variation ID: 641928). Advanced modeling of protein sequence and biophysical properties (such as structural, functional, and spatial information, amino acid conservation, physicochemical variation, residue mobility, and thermodynamic stability) performed at Invitae indicates that this missense variant is not expected to disrupt TSC2 protein function with a negative predictive value of 95%. In summary, the available evidence is currently insufficient to determine the role of this variant in disease. Therefore, it has been classified as a Variant of Uncertain Significance.